The following is an entry in ClinVar:

ClinVar aggregate classification (germline): Benign (0 of 4 stars; one submission).

Conditions:
ACTN3-related disorder. Also called: ACTN3-related condition.

Allele frequency attached by ClinVar (database versions not stated): ExAC 0.54183; gnomAD exomes 0.54904; 1000 Genomes Project 0.58307; 1000 Genomes Project 30x 0.58854; TOPMed 0.60177; gnomAD 0.61313; ESP Exome Variant Server 0.62821.
gnomAD v4.1: 895,474 of 1,613,402 alleles (56%); highest among the groups gnomAD compares: African/African-American, 80%; 253,659 homozygotes.

Submission:

PreventionGenetics, part of Exact Sciences
Classification: Benign for ACTN3-related condition. Last evaluated: 2019-10-21. Review status: no assertion criteria provided. Collection method: clinical testing. Allele origin: germline.
Comment: This variant is classified as benign based on ACMG/AMP sequence variant interpretation guidelines (Richards et al. 2015 PMID: 25741868, with internal and published modifications).

NM_001104.4(ACTN3):c.2327A>G (p.Gln776Arg)

Gene: ACTN3 (actinin alpha 3; plus strand). Cytogenetic location: 11q13.2.
Variant type: single nucleotide variant.
Coding change: c.2327A>G on transcript NM_001104.4 (MANE Select); coding-DNA position 2327, A replaced by G.
Protein change: p.Gln776Arg; replaces glutamine 776 with arginine.
Molecular consequence: missense variant.
Genome position (GRCh38, 1-based): chr11:66,562,261, A>G. VCF-style: chr11-66562261-A-G. GRCh37 (hg19) VCF-style: chr11-66329732-A-G.
Other names: c.2456A>G, p.Gln819Arg (NM_001258371.3); short protein forms Q776R, Q819R.
Identifiers: ClinVar variation 3060488 (VCV003060488.2), dbSNP rs540874, ClinGen allele CA6125042.
Genomic context (GRCh38, chr11:66,562,261, plus strand): 5'-ACTTGGGGGCTGGTGGAGGCTGGAGACCAAGCCTGATAACCACTCACCCCCTACAGAAGC[A>G]GAATGGGATGATGGAGCCTGATGACTTCCGAGCTTGCCTCATCTCCATGGGCTATGACCT-3'
Protein context (NP_001095.2, residues 766-786): RASFNHFDRK[Gln776Arg]NGMMEPDDFR